The following is an entry in ClinVar:

NM_001278116.2(L1CAM):c.3434G>A (p.Arg1145His)

Gene: L1CAM (L1 cell adhesion molecule; minus strand). Cytogenetic location: Xq28.
Variant type: single nucleotide variant.
Coding change: c.3434G>A on transcript NM_001278116.2 (MANE Select); coding-DNA position 3434, G replaced by A.
Protein change: p.Arg1145His; replaces arginine 1145 with histidine.
Molecular consequence: missense variant.
Genome position (GRCh38, 1-based): chrX:153,863,906, C>T on the plus strand (G>A on the coding strand, the complement: L1CAM is on the minus strand). VCF-style: chrX-153863906-C-T. GRCh37 (hg19) VCF-style: chrX-153129361-C-T.
Other names: c.3434G>A, p.Arg1145His (NM_000425.5, NM_024003.3); c.3419G>A, p.Arg1140His (NM_001143963.2); short protein forms R1140H, R1145H.
Identifiers: ClinVar variation 1207648 (VCV001207648.6), dbSNP rs952497509, ClinGen allele CA337257533.
Genomic context (GRCh38, chrX:153,863,906, plus strand): 5'-TCGGCTCCACCCCCGTCACGTGGGGCTCAGAGGCTACCTGAGTATTTGCCGCCCTTGCTG[C>T]GCTTGATGAAGCAGAGGATGAGCAGGACGAGGAGCAGGAGGATGATGGCACTCACAAAGC-3'
Protein context (NP_001265045.1, residues 1135-1155): LVLLILCFIK[Arg1145His]SKGGKYSVKD

ClinVar aggregate classification (germline): Uncertain significance. Review status: criteria provided, multiple submitters, no conflicts (2 of 4 stars). 3 submissions from 3 submitters: Uncertain significance (3). Last evaluated 2025-02-10.

Conditions:
Spastic paraplegia. Identifiers: MedGen C0037772, HP:0001258.
Inborn genetic diseases. Identifiers: MedGen C0950123, MeSH D030342.

Allele frequency attached by ClinVar (database versions not stated): gnomAD exomes 0.00001; TOPMed 0.00003; gnomAD 0.00006 and 0.00007.
gnomAD v4.1: 16 of 1,211,010 alleles (0.0013%); highest among the groups gnomAD compares: South Asian, 0.0035%; no homozygotes.

Submissions (3):

Labcorp Genetics (formerly Invitae), Labcorp
Classification: Uncertain significance for Spastic paraplegia. Last evaluated: 2025-02-10. Review status: criteria provided, single submitter. Criteria: Invitae Variant Classification Sherloc (09022015). Collection method: clinical testing. Allele origin: germline.
Comment: This sequence change replaces arginine, which is basic and polar, with histidine, which is basic and polar, at codon 1145 of the L1CAM protein (p.Arg1145His). This variant is present in population databases (no rsID available, gnomAD 0.007%). This variant has not been reported in the literature in individuals affected with L1CAM-related conditions. ClinVar contains an entry for this variant (Variation ID: 1207648). Invitae Evidence Modeling of protein sequence and biophysical properties (such as structural, functional, and spatial information, amino acid conservation, physicochemical variation, residue mobility, and thermodynamic stability) has been performed for this missense variant. However, the output from this modeling did not meet the statistical confidence thresholds required to predict the impact of this variant on L1CAM protein function. In summary, the available evidence is currently insufficient to determine the role of this variant in disease. Therefore, it has been classified as a Variant of Uncertain Significance.

GeneDx
Classification: Uncertain significance. Last evaluated: 2021-01-08. Review status: criteria provided, single submitter. Criteria: GeneDx Variant Classification Process June 2021. Collection method: clinical testing. Allele origin: germline. Affected: yes.
Comment: In silico analysis supports that this missense variant has a deleterious effect on protein structure/function; Has not been previously published as pathogenic or benign to our knowledge

Ambry Genetics
Classification: Uncertain significance for Inborn genetic diseases. Last evaluated: 2020-03-17. Review status: criteria provided, single submitter. Criteria: Ambry Variant Classification Scheme 2023. Collection method: clinical testing. Allele origin: germline.
Comment: The p.R1145H variant (also known as c.3434G>A), located in coding exon 25 of the L1CAM gene, results from a G to A substitution at nucleotide position 3434. The arginine at codon 1145 is replaced by histidine, an amino acid with highly similar properties. This amino acid position is highly conserved in available vertebrate species. In addition, this alteration is predicted to be deleterious by in silico analysis. Since supporting evidence is limited at this time, the clinical significance of this alteration remains unclear.